The following is an entry in ClinVar:

NM_138694.4(PKHD1):c.5909-2del

Gene: PKHD1 (PKHD1 ciliary IPT domain containing fibrocystin/polyductin; minus strand). Cytogenetic location: 6p12.2.
Variant type: Deletion.
Coding change: c.5909-2del on transcript NM_138694.4 (MANE Select); the canonical splice acceptor site of the intron before coding-DNA position 5909, one base deleted (A; older notation c.5909-2delA).
Molecular consequence: splice acceptor variant.
Genome position (GRCh38, 1-based): chr6:51,934,324, T deleted on the plus strand (A on the coding strand, the reverse complement: PKHD1 is on the minus strand). VCF-style (leftmost placement, unchanged base first): chr6-51934323-CT-C. GRCh37 (hg19) VCF-style: chr6-51799121-CT-C.
Other names: c.5909-2del (NM_170724.3).
Identifiers: ClinVar variation 551218 (VCV000551218.10), dbSNP rs1334913120, ClinGen allele CA658822585.

ClinVar aggregate classification (germline): Pathogenic/Likely pathogenic. Review status: criteria provided, multiple submitters, no conflicts (2 of 4 stars). 6 submissions from 6 submitters: Pathogenic (2); Likely pathogenic (3). 1 of the submissions does not count toward it. Last evaluated 2026-01-19.

Conditions:
PKHD1-related disorder. Also called: PKHD1-related condition.
Autosomal recessive polycystic kidney disease (ARPKD). Also called: AR polycystic kidney disease. Identifiers: Orphanet 731, Orphanet 8378, MedGen C0085548, MeSH D017044, MONDO:0009889.
Polycystic kidney disease 4 (PKD4). Also called: PKD3; POLYCYSTIC KIDNEY AND HEPATIC DISEASE 1; POLYCYSTIC KIDNEY DISEASE, INFANTILE, TYPE I; POLYCYSTIC KIDNEY DISEASE 4 WITH OR WITHOUT POLYCYSTIC LIVER DISEASE; Autosomal Recessive Polycystic Kidney Disease – PKHD1. Identifiers: MedGen C4540575, MONDO:0033004, OMIM 263200.

Allele frequency attached by ClinVar (database versions not stated): gnomAD exomes below 0.00001; TOPMed 0.00001.

Submissions (6):

Labcorp Genetics (formerly Invitae), Labcorp
Classification: Likely pathogenic for Autosomal recessive polycystic kidney disease. Last evaluated: 2026-01-19. Review status: criteria provided, single submitter. Criteria: Invitae Variant Classification Sherloc (09022015). Collection method: clinical testing. Allele origin: germline.
Comment: This sequence change affects a splice site in intron 36 of the PKHD1 gene. It is expected to disrupt RNA splicing. Variants that disrupt the donor or acceptor splice site typically lead to a loss of protein function (PMID: 16199547), and loss-of-function variants in PKHD1 are known to be pathogenic (PMID: 19940839). This variant is not present in population databases (gnomAD no frequency). Disruption of this splice site has been observed in individual(s) with autosomal recessive polycystic kidney disease (PMID: 25114813). ClinVar contains an entry for this variant (Variation ID: 551218). Algorithms developed to predict the effect of sequence changes on RNA splicing suggest that this variant may disrupt the consensus splice site. In summary, the currently available evidence indicates that the variant is pathogenic, but additional data are needed to prove that conclusively. Therefore, this variant has been classified as Likely Pathogenic.

Natera, Inc.
Classification: Likely pathogenic for Autosomal recessive polycystic kidney disease. Last evaluated: 2026-01-15. Review status: criteria provided, single submitter. Criteria: Natera Variant Classification Schema (03/2026). Collection method: clinical testing. Allele origin: germline.
Comment: The c.5909-2delA variant in PKHD1 is a canonical splice acceptor site variant predicted to affect pre-mRNA splicing, which may result in an abnormal transcript and altered protein product. This variant is expected to result in nonsense mediated decay, truncation, or a dysfunctional protein product. This variant is rare in the general population with a frequency below the threshold expected for the associated phenotype(s). This variant has been observed in one or more individuals affected with the associated recessive disease, as either homozygous or compound heterozygous with a second variant (PMID: 25114813). Given the available evidence, this variant is classified as Likely Pathogenic.

GeneDx
Classification: Likely pathogenic. Last evaluated: 2025-01-08. Review status: criteria provided, single submitter. Criteria: GeneDx Variant Classification Process June 2021. Collection method: clinical testing. Allele origin: germline.
Comment: Canonical splice site variant predicted to result in an in-frame loss of the adjacent exon in a gene for which loss of function is a known mechanism of disease; Not observed at significant frequency in large population cohorts (gnomAD); This variant is associated with the following publications: (PMID: 25114813)

Baylor Genetics
Classification: Pathogenic for Polycystic kidney disease 4. Last evaluated: 2024-02-15. Review status: criteria provided, single submitter. Criteria: ACMG Guidelines, 2015. Collection method: clinical testing. Allele origin: unknown.

PreventionGenetics, part of Exact Sciences
Classification: Pathogenic for PKHD1-related condition. Last evaluated: 2023-08-11. Review status: criteria provided, single submitter. Criteria: ACMG Guidelines, 2015. Collection method: clinical testing. Allele origin: germline.
Comment: The PKHD1 c.5909-2delA variant is predicted to result in a deletion affecting a canonical splice site. This variant has been reported to be pathogenic for autosomal recessive polycystic kidney disease (ARPKD) (Thakur et al. 2014. PubMed ID: 25114813). To our knowledge, this variant has not been reported in a large population database, indicating this variant is rare. In ClinVar, this variant has been interpreted as likely pathogenic. This variant is interpreted as pathogenic.

Counsyl
Classification: Likely pathogenic for Polycystic kidney disease 4. Last evaluated: 2017-03-24. Review status: no assertion criteria provided. Collection method: clinical testing. Allele origin: unknown. Not counted in ClinVar's aggregate classification.

Literature cited by the submitters: PubMed 16199547 (cited by Labcorp Genetics (formerly Invitae), Labcorp); PubMed 19940839 (cited by Labcorp Genetics (formerly Invitae), Labcorp); PubMed 25114813 (cited by 3 submitters).